The following is an entry in ClinVar:

ClinVar aggregate classification (germline): Pathogenic (1 of 4 stars; one submission).

Conditions:
Developmental and epileptic encephalopathy, 9 (DEE9). Also called: PCDH19-Related X-Linked Female-Limited Epilepsy with Mental Retardation; Early infantile epileptic encephalopathy 9; EPILEPSY, FEMALE-RESTRICTED, WITH MENTAL RETARDATION; JUBERG-HELLMAN SYNDROME. Identifiers: Orphanet 101039, Orphanet 2076, MedGen C1848137, MONDO:0010246, OMIM 300088. Disease mechanism: loss of function.

Submission:

Labcorp Genetics (formerly Invitae), Labcorp
Classification: Pathogenic for Developmental and epileptic encephalopathy, 9. Last evaluated: 2020-05-21. Review status: criteria provided, single submitter. Criteria: Invitae Variant Classification Sherloc (09022015). Collection method: clinical testing. Allele origin: germline.
Comment: This sequence change creates a premature translational stop signal (p.Leu662Serfs*52) in the PCDH19 gene. It is expected to result in an absent or disrupted protein product. For these reasons, this variant has been classified as Pathogenic. Loss-of-function variants in PCDH19 are known to be pathogenic (PMID: 21053371). This variant has not been reported in the literature in individuals with PCDH19-related conditions. This variant is not present in population databases (ExAC no frequency).

Literature cited by the submitters: PubMed 21053371.

NM_001184880.2(PCDH19):c.1985_1995del (p.Leu662fs)

Gene: PCDH19 (protocadherin 19; minus strand). Cytogenetic location: Xq22.1.
Variant type: Deletion.
Coding change: c.1985_1995del on transcript NM_001184880.2 (MANE Select); coding-DNA positions 1985 to 1995, 11 bases deleted (TGTCCCCTGCT).
Protein change: p.Leu662fs; shifts the reading frame from leucine 662.
Molecular consequence: frameshift variant.
Genome position (GRCh38, 1-based): chrX:100,406,603-100,406,613, AGCAGGGGACA deleted on the plus strand (TGTCCCCTGCT on the coding strand, the reverse complement: PCDH19 is on the minus strand); deleting any 11 consecutive bases within chrX:100,406,603-100,406,615 gives the same sequence; the c. name uses the placement nearest the transcript's 3' end. VCF-style (leftmost placement, unchanged base first): chrX-100406602-GAGCAGGGGACA-G. GRCh37 (hg19) VCF-style: chrX-99661600-GAGCAGGGGACA-G.
Other names: c.1985_1995del, p.Leu662fs (NM_001105243.2, NM_020766.3); short protein forms L662fs.
Identifiers: ClinVar variation 1069939 (VCV001069939.7), dbSNP rs2147537315, ClinGen allele CA2499226251.